The following is an entry in ClinVar:

NM_000138.5(FBN1):c.2295T>A (p.Asp765Glu)

Gene: FBN1 (fibrillin 1; minus strand). Cytogenetic location: 15q21.1.
Variant type: single nucleotide variant.
Coding change: c.2295T>A on transcript NM_000138.5 (MANE Select); coding-DNA position 2295, T replaced by A.
Protein change: p.Asp765Glu; replaces aspartic acid 765 with glutamic acid.
Molecular consequence: missense variant.
Genome position (GRCh38, 1-based): chr15:48,496,224, A>T on the plus strand (T>A on the coding strand, the complement: FBN1 is on the minus strand). VCF-style: chr15-48496224-A-T. GRCh37 (hg19) VCF-style: chr15-48788421-A-T.
Other names: short protein forms D765E.
Identifiers: ClinVar variation 1171857 (VCV001171857.2), dbSNP rs2141305165, ClinGen allele CA392335561.

ClinVar aggregate classification (germline): Uncertain significance (1 of 4 stars; one submission).

Conditions:
Familial thoracic aortic aneurysm and aortic dissection (TAAD). Also called: Thoracic aortic aneurysms and dissections. Identifiers: Orphanet 91387, MedGen C4707243, MONDO:0019625.

Submission:

Color Diagnostics, LLC DBA Color Health
Classification: Uncertain significance for Familial thoracic aortic aneurysm and aortic dissection. Last evaluated: 2021-01-25. Review status: criteria provided, single submitter. Criteria: ACMG Guidelines, 2015. Collection method: clinical testing. Allele origin: germline.
Comment: This missense variant replaces aspartic acid with glutamic acid at codon 765 of the FBN1 protein. Computational prediction suggests that this variant may have deleterious impact on protein structure and function (internally defined REVEL score threshold >= 0.7, PMID: 27666373). To our knowledge, functional studies have not been reported for this variant. This variant has not been reported in individuals affected with cardiovascular disorders in the literature. This variant has not been identified in the general population by the Genome Aggregation Database (gnomAD). The available evidence is insufficient to determine the role of this variant in disease conclusively. Therefore, this variant is classified as a Variant of Uncertain Significance.